The following is an entry in ClinVar:

ClinVar aggregate classification (germline): Uncertain significance (1 of 4 stars; one submission).

gnomAD v4.1: 1 of 1,613,208 alleles (0.000062%); highest among the groups gnomAD compares: Admixed American, 0.0017%; no homozygotes.

Submission:

GeneDx
Classification: Uncertain significance. Last evaluated: 2026-03-24. Review status: criteria provided, single submitter. Criteria: GeneDx Variant Classification Process June 2021. Collection method: clinical testing. Allele origin: germline.
Comment: Not observed at significant frequency in large population cohorts (gnomAD); In silico analysis supports that this missense variant has a deleterious effect on protein structure/function; Has not been previously published as pathogenic or benign to our knowledge; In silico analysis suggests this variant may impact gene splicing. In the absence of RNA/functional studies, the actual effect of this sequence change is unknown.

NM_032119.4(ADGRV1):c.9780A>C (p.Gln3260His)

Gene: ADGRV1 (adhesion G protein-coupled receptor V1; plus strand). Cytogenetic location: 5q14.3.
Variant type: single nucleotide variant.
Coding change: c.9780A>C on transcript NM_032119.4 (MANE Select); coding-DNA position 9780, A replaced by C.
Protein change: p.Gln3260His; replaces glutamine 3260 with histidine.
Molecular consequence: missense variant. On other transcripts: non-coding transcript variant (1).
Genome position (GRCh38, 1-based): chr5:90,724,863, A>C. VCF-style: chr5-90724863-A-C. GRCh37 (hg19) VCF-style: chr5-90020680-A-C.
Other names: short protein forms Q3260H.
Identifiers: ClinVar variation 5017044 (VCV005017044.1).